The following is an entry in ClinVar:

ClinVar aggregate classification (germline): Uncertain significance (1 of 4 stars; one submission).

Submission:

Labcorp Genetics (formerly Invitae), Labcorp
Classification: Uncertain significance. Last evaluated: 2025-04-17. Review status: criteria provided, single submitter. Criteria: Invitae Variant Classification Sherloc (09022015). Collection method: clinical testing. Allele origin: germline.
Comment: This sequence change affects codon 46 of the INPPL1 mRNA. It is a 'silent' change, meaning that it does not change the encoded amino acid sequence of the INPPL1 protein. This variant is not present in population databases (gnomAD no frequency). This variant has not been reported in the literature in individuals affected with INPPL1-related conditions. ClinVar contains an entry for this variant (Variation ID: 1964482). Algorithms developed to predict the effect of sequence changes on RNA splicing suggest that this variant may create or strengthen a splice site. In summary, the available evidence is currently insufficient to determine the role of this variant in disease. Therefore, it has been classified as a Variant of Uncertain Significance.

NM_001567.4(INPPL1):c.138C>A (p.Val46=)

Genes: INPPL1 (inositol polyphosphate phosphatase like 1; plus strand), LOC130006328 (ATAC-STARR-seq lymphoblastoid silent region 3717; plus strand). Cytogenetic location: 11q13.4.
Variant type: single nucleotide variant.
Coding change: c.138C>A on transcript NM_001567.4 (MANE Select); coding-DNA position 138, C replaced by A.
Protein change: p.Val46=; no amino-acid change (valine 46 retained).
Molecular consequence: synonymous variant.
Genome position (GRCh38, 1-based): chr11:72,225,122, C>A. VCF-style: chr11-72225122-C-A. GRCh37 (hg19) VCF-style: chr11-71936166-C-A.
Identifiers: ClinVar variation 1964482 (VCV001964482.5), dbSNP rs2539178234, ClinGen allele CA475606328.